The following is an entry in ClinVar:

ClinVar aggregate classification (germline): Likely benign. Review status: criteria provided, multiple submitters, no conflicts (2 of 4 stars). 3 submissions from 3 submitters: Likely benign (3). Last evaluated 2024-12-04.

Conditions:
Cardiomyopathy (CMYO). Also called: Cardiomyopathies. Identifiers: Orphanet 167848, MedGen C0878544, MONDO:0004994, HP:0001638. Inheritance: Various modes of inheritance.
Catecholaminergic polymorphic ventricular tachycardia 1. Also called: VENTRICULAR TACHYCARDIA, CATECHOLAMINERGIC POLYMORPHIC, 1, WITH OR WITHOUT ATRIAL DYSFUNCTION AND/OR DILATED CARDIOMYOPATHY; VENTRICULAR TACHYCARDIA, STRESS-INDUCED POLYMORPHIC 1; RYR2-Related Catecholaminergic Polymorphic Ventricular Tachycardia. Identifiers: Orphanet 3286, MedGen C1631597, MONDO:0011484, OMIM 604772.
Catecholaminergic polymorphic ventricular tachycardia (CVPT). Also called: Catecholamine-induced polymorphic ventricular tachycardia. Identifiers: Orphanet 3286, MedGen C5574922, MONDO:0017990.

Allele frequency attached by ClinVar (database versions not stated): gnomAD exomes 0.00001; TOPMed 0.00001; gnomAD 0.00002.
gnomAD v4.1: 13 of 1,608,232 alleles (0.00081%); highest among the groups gnomAD compares: Admixed American, 0.0017%; no homozygotes.

Submissions (3):

Labcorp Genetics (formerly Invitae), Labcorp
Classification: Likely benign for Catecholaminergic polymorphic ventricular tachycardia 1. Last evaluated: 2024-12-04. Review status: criteria provided, single submitter. Criteria: Invitae Variant Classification Sherloc (09022015). Collection method: clinical testing. Allele origin: germline.

All of Us Research Program, National Institutes of Health
Classification: Likely benign for Catecholaminergic polymorphic ventricular tachycardia. Last evaluated: 2023-04-03. Review status: criteria provided, single submitter. Criteria: ACMG Guidelines, 2015. Collection method: clinical testing. Allele origin: germline. Inheritance: Autosomal dominant inheritance. Observed: 1 variant allele, 1 heterozygote.
Comment: This study involves interpretation of variants in research participants for the purpose of population health screening. Participant phenotype was not available at the time of variant classification. Additional details can be found in publication PMID: 35346344, PMCID: PMC8962531

Color Diagnostics, LLC DBA Color Health
Classification: Likely benign for Cardiomyopathy. Last evaluated: 2021-03-09. Review status: criteria provided, single submitter. Criteria: ACMG Guidelines, 2015. Collection method: clinical testing. Allele origin: germline.

NM_001035.3(RYR2):c.6006T>C (p.Asp2002=)

Gene: RYR2 (ryanodine receptor 2; plus strand). Cytogenetic location: 1q43.
Variant type: single nucleotide variant.
Coding change: c.6006T>C on transcript NM_001035.3 (MANE Select); coding-DNA position 6006, T replaced by C.
Protein change: p.Asp2002=; no amino-acid change (aspartic acid 2002 retained).
Molecular consequence: synonymous variant.
Genome position (GRCh38, 1-based): chr1:237,623,854, T>C. VCF-style: chr1-237623854-T-C. GRCh37 (hg19) VCF-style: chr1-237787154-T-C.
Identifiers: ClinVar variation 1331734 (VCV001331734.50), dbSNP rs1234291975, ClinGen allele CA423821455.
Genomic context (GRCh38, chr1:237,623,854, plus strand): 5'-CAAAAGTGAATGTCCATGTCCAGAAGAAATTCGTGACCAACTATTGGATTTCCATGAAGA[T>C]TTGATGACACATTGTGGTAAGGTCTTTTTGATTAAAAGCTTTTATTAATTGTATGTTTTT-3'
Protein context (NP_001026.2, residues 1992-2012): IRDQLLDFHE[Asp2002=]LMTHCGIELD